The following is an entry in ClinVar:

NM_001170629.2(CHD8):c.3971A>C (p.Lys1324Thr)

Gene: CHD8 (chromodomain helicase DNA binding protein 8; minus strand). Cytogenetic location: 14q11.2.
Variant type: single nucleotide variant.
Coding change: c.3971A>C on transcript NM_001170629.2 (MANE Select); coding-DNA position 3971, A replaced by C.
Protein change: p.Lys1324Thr; replaces lysine 1324 with threonine.
Molecular consequence: missense variant.
Genome position (GRCh38, 1-based): chr14:21,402,048, T>G on the plus strand (A>C on the coding strand, the complement: CHD8 is on the minus strand). VCF-style: chr14-21402048-T-G. GRCh37 (hg19) VCF-style: chr14-21870207-T-G.
Other names: c.3134A>C, p.Lys1045Thr (NM_020920.4); short protein forms K1045T, K1324T.
Identifiers: ClinVar variation 2499690 (VCV002499690.1), dbSNP rs1485400537, ClinGen allele CA388897120.

ClinVar aggregate classification (germline): Uncertain significance (1 of 4 stars; one submission).

Submission:

GeneDx
Classification: Uncertain significance. Last evaluated: 2022-10-20. Review status: criteria provided, single submitter. Criteria: GeneDx Variant Classification Process June 2021. Collection method: clinical testing. Allele origin: germline. Affected: yes.
Comment: Not observed at significant frequency in large population cohorts (gnomAD); In silico analysis supports that this missense variant has a deleterious effect on protein structure/function; Has not been previously published as pathogenic or benign to our knowledge